The following is an entry in ClinVar:

ClinVar aggregate classification (germline): Pathogenic (1 of 4 stars; one submission).

Submission:

Labcorp Genetics (formerly Invitae), Labcorp
Classification: Pathogenic. Last evaluated: 2021-09-29. Review status: criteria provided, single submitter. Criteria: Invitae Variant Classification Sherloc (09022015). Collection method: clinical testing. Allele origin: germline.
Comment: For these reasons, this variant has been classified as Pathogenic. A similar copy number variant has been observed in individual(s) with clinical features of osteogenesis imperfecta (PMID: 31218223; Invitae). In at least one individual the data is consistent with the variant being in trans (on the opposite chromosome) from a pathogenic variant. This variant is a gross deletion of the genomic region encompassing exon(s) 3-4 of the TMEM38B gene. This variant would be expected to be in-frame, preserving the integrity of the reading frame.

Literature cited by the submitters: PubMed 31218223.

NC_000009.11:g.(?_108483798)_(108484922_?)del

Gene: TMEM38B (transmembrane protein 38B; plus strand). Cytogenetic location: 9q31.2.
Variant type: Deletion.
Identifiers: ClinVar variation 1424337 (VCV001424337.4).